The following is an entry in ClinVar:

NM_033026.6(PCLO):c.2290A>G (p.Thr764Ala)

Gene: PCLO (piccolo presynaptic cytomatrix protein; minus strand). Cytogenetic location: 7q21.11.
Variant type: single nucleotide variant.
Coding change: c.2290A>G on transcript NM_033026.6 (MANE Select); coding-DNA position 2290, A replaced by G.
Protein change: p.Thr764Ala; replaces threonine 764 with alanine.
Molecular consequence: missense variant.
Genome position (GRCh38, 1-based): chr7:83,135,260, T>C on the plus strand (A>G on the coding strand, the complement: PCLO is on the minus strand). VCF-style: chr7-83135260-T-C. GRCh37 (hg19) VCF-style: chr7-82764576-T-C.
Other names: c.2290A>G, p.Thr764Ala (NM_014510.3); short protein forms T764A.
Identifiers: ClinVar variation 1965014 (VCV001965014.5), dbSNP rs1791693308, ClinGen allele CA367903253.

ClinVar aggregate classification (germline): Uncertain significance (1 of 4 stars; one submission).

Allele frequency attached by ClinVar (database versions not stated): TOPMed below 0.00001; gnomAD exomes 0.00001.
gnomAD v4.1: 7 of 1,613,868 alleles (0.00043%); highest among the groups gnomAD compares: Non-Finnish European, 0.00059%; no homozygotes.

Submission:

Labcorp Genetics (formerly Invitae), Labcorp
Classification: Uncertain significance. Last evaluated: 2022-03-29. Review status: criteria provided, single submitter. Criteria: Invitae Variant Classification Sherloc (09022015). Collection method: clinical testing. Allele origin: germline.
Comment: This sequence change replaces threonine, which is neutral and polar, with alanine, which is neutral and non-polar, at codon 764 of the PCLO protein (p.Thr764Ala). This variant is not present in population databases (gnomAD no frequency). This variant has not been reported in the literature in individuals affected with PCLO-related conditions. Algorithms developed to predict the effect of missense changes on protein structure and function output the following: SIFT: "Tolerated"; PolyPhen-2: "Not Available"; Align-GVGD: "Class C0". The alanine amino acid residue is found in multiple mammalian species, which suggests that this missense change does not adversely affect protein function. In summary, the available evidence is currently insufficient to determine the role of this variant in disease. Therefore, it has been classified as a Variant of Uncertain Significance.